The following is an entry in ClinVar:

ClinVar aggregate classification (germline): Uncertain significance. Review status: criteria provided, multiple submitters, no conflicts (2 of 4 stars). 2 submissions from 2 submitters: Uncertain significance (2). Last evaluated 2025-06-19.

Conditions:
Inborn genetic diseases. Identifiers: MedGen C0950123, MeSH D030342.
Giant axonal neuropathy 1 (GAN1). Also called: GIANT AXONAL NEUROPATHY 1, AUTOSOMAL RECESSIVE; GAN-Related Neurodegeneration. Identifiers: Orphanet 643, MedGen C1850386, MONDO:0009749, OMIM 256850.

Allele frequency attached by ClinVar (database versions not stated): gnomAD 0.00001; gnomAD exomes 0.00001 and 0.00002; TOPMed 0.00001; ExAC 0.00001.
gnomAD v4.1: 29 of 1,613,432 alleles (0.0018%); highest among the groups gnomAD compares: Non-Finnish European, 0.0024%; no homozygotes.

Submissions (2):

Ambry Genetics
Classification: Uncertain significance for Inborn genetic diseases. Last evaluated: 2025-06-19. Review status: criteria provided, single submitter. Criteria: Ambry Variant Classification Scheme 2023. Collection method: clinical testing. Allele origin: germline.

Labcorp Genetics (formerly Invitae), Labcorp
Classification: Uncertain significance for Giant axonal neuropathy 1. Last evaluated: 2022-05-25. Review status: criteria provided, single submitter. Criteria: Invitae Variant Classification Sherloc (09022015). Collection method: clinical testing. Allele origin: germline.
Comment: Algorithms developed to predict the effect of missense changes on protein structure and function (SIFT, PolyPhen-2, Align-GVGD) all suggest that this variant is likely to be tolerated. In summary, the available evidence is currently insufficient to determine the role of this variant in disease. Therefore, it has been classified as a Variant of Uncertain Significance. ClinVar contains an entry for this variant (Variation ID: 1001625). This variant has not been reported in the literature in individuals affected with GAN-related conditions. This variant is present in population databases (rs199515586, gnomAD 0.003%). This sequence change replaces lysine, which is basic and polar, with arginine, which is basic and polar, at codon 500 of the GAN protein (p.Lys500Arg).

NM_022041.4(GAN):c.1499A>G (p.Lys500Arg)

Gene: GAN (gigaxonin; plus strand). Cytogenetic location: 16q23.2.
Variant type: single nucleotide variant.
Coding change: c.1499A>G on transcript NM_022041.4 (MANE Select); coding-DNA position 1499, A replaced by G.
Protein change: p.Lys500Arg; replaces lysine 500 with arginine.
Molecular consequence: missense variant.
Genome position (GRCh38, 1-based): chr16:81,365,475, A>G. VCF-style: chr16-81365475-A-G. GRCh37 (hg19) VCF-style: chr16-81399080-A-G.
Other names: c.860A>G, p.Lys287Arg (NM_001377486.1); c.1499A>G (NM_022041.3); short protein forms K287R, K500R.
Identifiers: ClinVar variation 1001625 (VCV001001625.8), dbSNP rs199515586, ClinGen allele CA8191779.